The following is an entry in ClinVar:

ClinVar aggregate classification (germline): Uncertain significance. Review status: criteria provided, multiple submitters, no conflicts (2 of 4 stars). 4 submissions from 4 submitters: Uncertain significance (4). Last evaluated 2024-06-11.

Conditions:
Arrhythmogenic right ventricular cardiomyopathy (ARVD). Also called: Arrhythmogenic cardiomyopathy; Cardiomyopathy, ARVC; Arrhythmogenic right ventricular dysplasia; Arrhythmogenic Right Ventricular Cardiomyopathy (ARVC). Identifiers: Orphanet 247, MedGen C0349788, MeSH D019571, MONDO:0016587. Disease mechanism: loss of function. Inheritance: Various modes of inheritance.
Cardiomyopathy (CMYO). Also called: Cardiomyopathies. Identifiers: Orphanet 167848, MedGen C0878544, MONDO:0004994, HP:0001638. Inheritance: Various modes of inheritance.
Arrhythmogenic right ventricular dysplasia 9 (ARVD9). Also called: Arrhythmogenic Right Ventricular Dysplasia/Cardiomyopathy 9; ARRHYTHMOGENIC RIGHT VENTRICULAR DYSPLASIA, FAMILIAL, 9. Identifiers: MedGen C1836906, MONDO:0012180, OMIM 609040.

Submissions (4):

Labcorp Genetics (formerly Invitae), Labcorp
Classification: Uncertain significance for Arrhythmogenic right ventricular dysplasia 9. Last evaluated: 2024-06-11. Review status: criteria provided, single submitter. Criteria: Invitae Variant Classification Sherloc (09022015). Collection method: clinical testing. Allele origin: germline.
Comment: This sequence change replaces serine, which is neutral and polar, with isoleucine, which is neutral and non-polar, at codon 249 of the PKP2 protein (p.Ser249Ile). This variant is not present in population databases (gnomAD no frequency). This variant has not been reported in the literature in individuals affected with PKP2-related conditions. ClinVar contains an entry for this variant (Variation ID: 919574). An algorithm developed to predict the effect of missense changes on protein structure and function (PolyPhen-2) suggests that this variant is likely to be disruptive. In summary, the available evidence is currently insufficient to determine the role of this variant in disease. Therefore, it has been classified as a Variant of Uncertain Significance.

Color Diagnostics, LLC DBA Color Health
Classification: Uncertain significance for Cardiomyopathy. Last evaluated: 2024-03-06. Review status: criteria provided, single submitter. Criteria: ACMG Guidelines, 2015. Collection method: clinical testing. Allele origin: germline.
Comment: This missense variant replaces serine with isoleucine at codon 249 of the PKP2 protein. Computational prediction tool is inconclusive regarding the impact of this variant on protein structure and function (internally defined REVEL score threshold 0.5 < inconclusive < 0.7, PMID: 27666373). Splice site prediction tools suggest that this variant may not impact RNA splicing. To our knowledge, functional studies have not been performed for this variant. This variant has not been reported in individuals affected with cardiovascular disorders in the literature. This variant has not been identified in the general population by the Genome Aggregation Database (gnomAD). The available evidence is insufficient to determine the role of this variant in disease conclusively. Therefore, this variant is classified as a Variant of Uncertain Significance.

All of Us Research Program, National Institutes of Health
Classification: Uncertain significance for Arrhythmogenic right ventricular cardiomyopathy. Last evaluated: 2023-04-27. Review status: criteria provided, single submitter. Criteria: ACMG Guidelines, 2015. Collection method: clinical testing. Allele origin: germline. Inheritance: Autosomal dominant inheritance. Observed: 1 variant allele, 1 heterozygote.
Comment: This missense variant replaces serine with isoleucine at codon 249 of the PKP2 protein. Computational prediction tool is inconclusive regarding the impact of this variant on protein structure and function (internally defined REVEL score threshold 0.5 < inconclusive < 0.7, PMID: 27666373). Splice site prediction tools suggest that this variant may not impact RNA splicing. To our knowledge, functional studies have not been performed for this variant. This variant has not been reported in individuals affected with cardiovascular disorders in the literature. This variant has not been identified in the general population by the Genome Aggregation Database (gnomAD). The available evidence is insufficient to determine the role of this variant in disease conclusively. Therefore, this variant is classified as a Variant of Uncertain Significance.

This study involves interpretation of variants in research participants for the purpose of population health screening. Participant phenotype was not available at the time of variant classification. Additional details can be found in publication PMID: 35346344, PMCID: PMC8962531

Fulgent Genetics
Classification: Uncertain significance for Arrhythmogenic right ventricular dysplasia 9. Last evaluated: 2021-08-31. Review status: criteria provided, single submitter. Criteria: ACMG Guidelines, 2015. Collection method: clinical testing. Allele origin: unknown.

NM_001005242.3(PKP2):c.746G>T (p.Ser249Ile)

Gene: PKP2 (plakophilin 2; minus strand). Cytogenetic location: 12p11.21.
Variant type: single nucleotide variant.
Coding change: c.746G>T on transcript NM_001005242.3 (MANE Select); coding-DNA position 746, G replaced by T.
Protein change: p.Ser249Ile; replaces serine 249 with isoleucine.
Molecular consequence: missense variant.
Genome position (GRCh38, 1-based): chr12:32,878,134, C>A on the plus strand (G>T on the coding strand, the complement: PKP2 is on the minus strand). VCF-style: chr12-32878134-C-A. GRCh37 (hg19) VCF-style: chr12-33031068-C-A.
Other names: c.746G>T, p.Ser249Ile (NM_004572.4); short protein forms S249I.
Identifiers: ClinVar variation 919574 (VCV000919574.10), dbSNP rs1085307949, ClinGen allele CA384362807.